The following is an entry in ClinVar:

ClinVar aggregate classification (germline): Uncertain significance (1 of 4 stars; one submission).

Conditions:
Familial encephalopathy with neuroserpin inclusion bodies. Also called: ENCEPHALOPATHY, FAMILIAL, WITH COLLINS BODIES. Identifiers: Orphanet 85110, MedGen C1858680, MONDO:0011412, OMIM 604218.

Submission:

Labcorp Genetics (formerly Invitae), Labcorp
Classification: Uncertain significance for Familial encephalopathy with neuroserpin inclusion bodies. Last evaluated: 2023-07-13. Review status: criteria provided, single submitter. Criteria: Invitae Variant Classification Sherloc (09022015). Collection method: clinical testing. Allele origin: germline.
Comment: This variant is not present in population databases (gnomAD no frequency). In summary, the available evidence is currently insufficient to determine the role of this variant in disease. Therefore, it has been classified as a Variant of Uncertain Significance. Advanced modeling of protein sequence and biophysical properties (such as structural, functional, and spatial information, amino acid conservation, physicochemical variation, residue mobility, and thermodynamic stability) performed at Invitae indicates that this missense variant is not expected to disrupt SERPINI1 protein function. This variant has not been reported in the literature in individuals affected with SERPINI1-related conditions. This sequence change replaces lysine, which is basic and polar, with glutamine, which is neutral and polar, at codon 285 of the SERPINI1 protein (p.Lys285Gln).

NM_001122752.2(SERPINI1):c.853A>C (p.Lys285Gln)

Gene: SERPINI1 (serpin family I member 1; plus strand). Cytogenetic location: 3q26.1.
Variant type: single nucleotide variant.
Coding change: c.853A>C on transcript NM_001122752.2 (MANE Select); coding-DNA position 853, A replaced by C.
Protein change: p.Lys285Gln; replaces lysine 285 with glutamine.
Molecular consequence: missense variant.
Genome position (GRCh38, 1-based): chr3:167,794,796, A>C. VCF-style: chr3-167794796-A-C. GRCh37 (hg19) VCF-style: chr3-167512584-A-C.
Other names: c.853A>C, p.Lys285Gln (NM_005025.5); short protein forms K285Q.
Identifiers: ClinVar variation 2743093 (VCV002743093.3), dbSNP rs1400740705, ClinGen allele CA355157280.